The following is an entry in ClinVar:

ClinVar aggregate classification (germline): Uncertain significance (1 of 4 stars; one submission).

Conditions:
Dilated cardiomyopathy 1G (CMD1G). Identifiers: Orphanet 154, MedGen C1858763, MONDO:0011400, OMIM 604145.
Autosomal recessive limb-girdle muscular dystrophy type 2J (LGMDR10). Also called: Limb-girdle muscular dystrophy, type 2J; MUSCULAR DYSTROPHY, LIMB-GIRDLE, AUTOSOMAL RECESSIVE 10. Identifiers: Orphanet 140922, MedGen C1837342, MONDO:0012127, OMIM 608807.

Submission:

Labcorp Genetics (formerly Invitae), Labcorp
Classification: Uncertain significance for Dilated cardiomyopathy 1G; Autosomal recessive limb-girdle muscular dystrophy type 2J. Last evaluated: 2021-02-11. Review status: criteria provided, single submitter. Criteria: Invitae Variant Classification Sherloc (09022015). Collection method: clinical testing. Allele origin: germline.
Comment: This sequence change replaces threonine with isoleucine at codon 35006 of the TTN protein (p.Thr35006Ile). There is a moderate physicochemical difference between threonine and isoleucine. This variant is not present in population databases (ExAC no frequency). This variant has not been reported in the literature in individuals with TTN-related conditions. The isoleucine amino acid residue is found in multiple mammalian species, suggesting that this missense change does not adversely affect protein function. These predictions have not been confirmed by published functional studies and their clinical significance is uncertain. In summary, the available evidence is currently insufficient to determine the role of this variant in disease. Therefore, it has been classified as a Variant of Uncertain Significance. This variant is located in the M band of TTN (PMID: 25589632). Variants in this region may be relevant for neuromuscular disorders, but have not been definitively shown to cause cardiomyopathy (PMID: 23975875). Algorithms developed to predict the effect of variants on protein structure and function are not available or were not evaluated for this variant.

Literature cited by the submitters: PubMed 25589632; PubMed 23975875.

NM_001267550.2(TTN):c.105017C>T (p.Thr35006Ile)

Genes: TTN (titin; minus strand), TTN-AS1 (TTN antisense RNA 1; plus strand). Cytogenetic location: 2q31.2.
Variant type: single nucleotide variant.
Coding change: c.105017C>T on transcript NM_001267550.2 (MANE Select); coding-DNA position 105017, C replaced by T.
Protein change: p.Thr35006Ile; replaces threonine 35006 with isoleucine.
Molecular consequence: missense variant.
Genome position (GRCh38, 1-based): chr2:178,531,598, G>A on the plus strand (C>T on the coding strand, the complement: TTN is on the minus strand). VCF-style: chr2-178531598-G-A. GRCh37 (hg19) VCF-style: chr2-179396325-G-A.
Other names: c.100094C>T, p.Thr33365Ile (NM_001256850.1); c.77822C>T, p.Thr25941Ile (NM_003319.4); c.97313C>T, p.Thr32438Ile (NM_133378.4); c.78197C>T, p.Thr26066Ile (NM_133432.3); c.78398C>T, p.Thr26133Ile (NM_133437.4); short protein forms T26066I, T33365I, T32438I, T35006I, T25941I, T26133I.
Identifiers: ClinVar variation 1508213 (VCV001508213.6), dbSNP rs2154133648, ClinGen allele CA349409667.